The following is an entry in ClinVar:

ClinVar aggregate classification (germline): Likely pathogenic (1 of 4 stars; one submission).

Submission:

CeGaT Center for Human Genetics Tuebingen
Classification: Likely pathogenic. Last evaluated: 2022-08-01. Review status: criteria provided, single submitter. Criteria: CeGaT Center For Human Genetics Tuebingen Variant Classification Criteria Version 2. Collection method: clinical testing. Allele origin: germline. Affected: yes. Observed: 1 variant allele.
Comment: COL3A1: PM1, PM2, PM5, PP3

NM_000090.4(COL3A1):c.2887G>A (p.Gly963Ser)

Gene: COL3A1 (collagen type III alpha 1 chain; plus strand). Cytogenetic location: 2q32.2.
Variant type: single nucleotide variant.
Coding change: c.2887G>A on transcript NM_000090.4 (MANE Select); coding-DNA position 2887, G replaced by A.
Protein change: p.Gly963Ser; replaces glycine 963 with serine.
Molecular consequence: missense variant.
Genome position (GRCh38, 1-based): chr2:189,004,320, G>A. VCF-style: chr2-189004320-G-A. GRCh37 (hg19) VCF-style: chr2-189869046-G-A.
Other names: short protein forms G963S.
Identifiers: ClinVar variation 1711521 (VCV001711521.31), dbSNP rs587779640, ClinGen allele CA349844572.